The following is an entry in ClinVar:

NM_000551.4(VHL):c.293A>G (p.Tyr98Cys)

Gene: VHL (von Hippel-Lindau tumor suppressor; plus strand). Cytogenetic location: 3p25.3.
Variant type: single nucleotide variant.
Coding change: c.293A>G on transcript NM_000551.4 (MANE Select); coding-DNA position 293, A replaced by G.
Protein change: p.Tyr98Cys; replaces tyrosine 98 with cysteine.
Molecular consequence: missense variant.
Genome position (GRCh38, 1-based): chr3:10,142,140, A>G. VCF-style: chr3-10142140-A-G. GRCh37 (hg19) VCF-style: chr3-10183824-A-G.
Other names: c.293A>G, p.Tyr98Cys (NM_001354723.2, NM_198156.3); short protein forms Y98C.
Identifiers: ClinVar variation 223176 (VCV000223176.12), dbSNP rs864321643, ClinGen allele CA357072.

ClinVar aggregate classification (germline): Pathogenic. Review status: criteria provided, multiple submitters, no conflicts (2 of 4 stars). 5 submissions from 5 submitters: Pathogenic (2). 3 of the submissions do not count toward it. Last evaluated 2025-07-21.

Conditions:
Von Hippel-Lindau syndrome (VHLS). Also called: Von Hippel-Lindau; von Hippel–Lindau syndrome; VHL syndrome. Identifiers: Orphanet 892, MedGen C0019562, MONDO:0008667, OMIM 193300. Disease mechanism: loss of function.
Chuvash polycythemia. Also called: POLYCYTHEMIA, VHL-DEPENDENT. Identifiers: Orphanet 238557, MedGen C1837915, MONDO:0009892, OMIM 263400.
Hereditary cancer-predisposing syndrome. Also called: Tumor predisposition; Hereditary neoplastic syndrome; Neoplastic Syndromes, Hereditary; Hereditary Cancer Syndrome. Identifiers: Orphanet 140162, MedGen C0027672, MeSH D009386, MONDO:0015356.

Submissions (5):

Ambry Genetics
Classification: Pathogenic for Hereditary cancer-predisposing syndrome. Last evaluated: 2025-07-21. Review status: criteria provided, single submitter. Criteria: Ambry Variant Classification Scheme 2023. Collection method: clinical testing. Allele origin: germline.
Comment: The p.Y98C pathogenic mutation (also known as c.293A>G), located in coding exon 1 of the VHL gene, results from an A to G substitution at nucleotide position 293. The tyrosine at codon 98 is replaced by cysteine, an amino acid with highly dissimilar properties. This variant was reported in individual(s) with features consistent with von Hippel-Lindau syndrome (Yoshida M et al. Jpn J Cancer Res, 2000 Feb;91:204-12; Vikkath N et al. Fam Cancer, 2015 Dec;14:585-94; Liu Q et al. Endocr Connect, 2018 Jul;7:870-878; Yonamine M et al. Cancers (Basel), 2021 Aug;13; Lima JV et al. Endocr Oncol, 2023 Jan;3:e220091; Ambry internal data). Other variant(s) at the same codon, p.Y98H (c.292T>C), p.Y98S (c.293A>C), have been identified in individual(s) with features consistent with von Hippel-Lindau syndrome (Crossey PA et al. Hum Mol Genet. 1994 Aug;3:1303-8; Neumann HP et al. N Engl J Med. 2002 May;346:1459-66; Gallou C et al. Hum. Mutat. 2004 Sep;24:215-24; Boedeker CC et al. J. Clin. Endocrinol. Metab. 2009 Jun;94:1938-44; Erlic Z et al. Endocr Relat Cancer. 2010 Dec;17:875-83; Nielsen SM et al. Am J Med Genet A. 2011 Jan;155A:168-73; Klingler JH et al. J Stroke Cerebrovasc Dis. 2013 May;22:437-43; Pandit R et al. Eur. J. Endocrinol. 2016 Oct;175:311-23; Peng S et al. Oncotarget. 2017 Jun;8:38456-38465; Khadilkar K et al. J Pediatr Endocrinol Metab, 2017 May;30:575-581; Huang KL et al. Cell. 2018 04;173:355-370.e14; Lomte N et al. Fam Cancer, 2018 07;17:441-449; Liu P et al. Gland Surg, 2019 Aug;8:343-353). This variant is considered to be rare based on population cohorts in the Genome Aggregation Database (gnomAD). This amino acid position is highly conserved in available vertebrate species. In addition, this alteration is predicted to be deleterious by in silico analysis. Based on the supporting evidence, this variant is interpreted as a disease-causing mutation.

Labcorp Genetics (formerly Invitae), Labcorp
Classification: Pathogenic for Von Hippel-Lindau syndrome; Chuvash polycythemia. Last evaluated: 2024-11-21. Review status: criteria provided, single submitter. Criteria: Invitae Variant Classification Sherloc (09022015). Collection method: clinical testing. Allele origin: germline.
Comment: This sequence change replaces tyrosine, which is neutral and polar, with cysteine, which is neutral and slightly polar, at codon 98 of the VHL protein (p.Tyr98Cys). This variant is not present in population databases (gnomAD no frequency). This missense change has been observed in individuals with clinical features of Von Hippel-Lindau syndrome (PMID: 10761708, 12081237, 25720320, 25952756, 29871882; internal data). This variant is also known as 506A>G. ClinVar contains an entry for this variant (Variation ID: 223176). Invitae Evidence Modeling of protein sequence and biophysical properties (such as structural, functional, and spatial information, amino acid conservation, physicochemical variation, residue mobility, and thermodynamic stability) indicates that this missense variant is expected to disrupt VHL protein function with a positive predictive value of 95%. This variant disrupts the p.Tyr98 amino acid residue in VHL. Other variant(s) that disrupt this residue have been determined to be pathogenic (PMID: 7759077, 10878807, 11331612, 11331613, 12510195, 16261165, 19763184, 21204227, 23840444, 25371412). This suggests that this residue is clinically significant, and that variants that disrupt this residue are likely to be disease-causing. For these reasons, this variant has been classified as Pathogenic.

Clinical Genomics Labs, University Health Network
Classification: Likely pathogenic for Von Hippel-Lindau syndrome. Last evaluated: 2021-01-25. Review status: no assertion criteria provided. Criteria: ACMG Guidelines, 2015. Collection method: clinical testing. Allele origin: germline. Not counted in ClinVar's aggregate classification.

Genomic Diagnostic Laboratory, Division of Genomic Diagnostics, Children's Hospital of Philadelphia
Classification: Pathogenic for Von Hippel-Lindau syndrome. Last evaluated: 2016-02-26. Review status: no assertion criteria provided. Collection method: clinical testing. Allele origin: germline. Affected: yes. Observed: 1 variant allele. Not counted in ClinVar's aggregate classification.

Department of Pathology and Laboratory Medicine, Sinai Health System
Classification: Uncertain significance. Review status: no assertion criteria provided. Collection method: clinical testing. Allele origin: unknown. Affected: yes. Study: The Canadian Open Genetics Repository (COGR). Not counted in ClinVar's aggregate classification.

Literature cited by the submitters: PubMed 10761708 (cited by Ambry Genetics and Labcorp Genetics (formerly Invitae), Labcorp); PubMed 25952756 (cited by Ambry Genetics and Labcorp Genetics (formerly Invitae), Labcorp); PubMed 29871882 (cited by Ambry Genetics and Labcorp Genetics (formerly Invitae), Labcorp); PubMed 34439168 (cited by Ambry Genetics); PubMed 37529773 (cited by Ambry Genetics); PubMed 12081237 (cited by Labcorp Genetics (formerly Invitae), Labcorp); PubMed 25720320 (cited by Labcorp Genetics (formerly Invitae), Labcorp); PubMed 7759077 (cited by Labcorp Genetics (formerly Invitae), Labcorp); PubMed 10878807 (cited by Labcorp Genetics (formerly Invitae), Labcorp); PubMed 11331612 (cited by Labcorp Genetics (formerly Invitae), Labcorp); PubMed 11331613 (cited by Labcorp Genetics (formerly Invitae), Labcorp); PubMed 12510195 (cited by Labcorp Genetics (formerly Invitae), Labcorp); PubMed 16261165 (cited by Labcorp Genetics (formerly Invitae), Labcorp); PubMed 19763184 (cited by Labcorp Genetics (formerly Invitae), Labcorp); PubMed 21204227 (cited by Labcorp Genetics (formerly Invitae), Labcorp); PubMed 23840444 (cited by Labcorp Genetics (formerly Invitae), Labcorp); PubMed 25371412 (cited by Labcorp Genetics (formerly Invitae), Labcorp).